The following is an entry in ClinVar:

NM_001035.3(RYR2):c.2287G>A (p.Ala763Thr)

Gene: RYR2 (ryanodine receptor 2; plus strand). Cytogenetic location: 1q43.
Variant type: single nucleotide variant.
Coding change: c.2287G>A on transcript NM_001035.3 (MANE Select); coding-DNA position 2287, G replaced by A.
Protein change: p.Ala763Thr; replaces alanine 763 with threonine.
Molecular consequence: missense variant.
Genome position (GRCh38, 1-based): chr1:237,500,794, G>A. VCF-style: chr1-237500794-G-A. GRCh37 (hg19) VCF-style: chr1-237664094-G-A.
Other names: short protein forms A763T.
Identifiers: ClinVar variation 1443534 (VCV001443534.6), dbSNP rs1306256963, ClinGen allele CA345393173.

ClinVar aggregate classification (germline): Conflicting classifications of pathogenicity. Review status: criteria provided, conflicting classifications (1 of 4 stars). 2 submissions from 2 submitters: Uncertain significance (1); Likely benign (1). Last evaluated 2025-04-14.

Conditions:
Catecholaminergic polymorphic ventricular tachycardia (CVPT). Also called: Catecholamine-induced polymorphic ventricular tachycardia. Identifiers: Orphanet 3286, MedGen C5574922, MONDO:0017990.
Catecholaminergic polymorphic ventricular tachycardia 1. Also called: VENTRICULAR TACHYCARDIA, STRESS-INDUCED POLYMORPHIC 1; VENTRICULAR TACHYCARDIA, CATECHOLAMINERGIC POLYMORPHIC, 1, WITH OR WITHOUT ATRIAL DYSFUNCTION AND/OR DILATED CARDIOMYOPATHY; RYR2-Related Catecholaminergic Polymorphic Ventricular Tachycardia. Identifiers: Orphanet 3286, MedGen C1631597, MONDO:0011484, OMIM 604772.

Allele frequency attached by ClinVar (database versions not stated): gnomAD exomes below 0.00001 and 0.00001; gnomAD 0.00001.
gnomAD v4.1: 15 of 1,613,852 alleles (0.00093%); highest among the groups gnomAD compares: African/African-American, 0.0013%; no homozygotes.

Submissions (2):

Labcorp Genetics (formerly Invitae), Labcorp
Classification: Likely benign for Catecholaminergic polymorphic ventricular tachycardia 1. Last evaluated: 2025-04-14. Review status: criteria provided, single submitter. Criteria: Invitae Variant Classification Sherloc (09022015). Collection method: clinical testing. Allele origin: germline.

All of Us Research Program, National Institutes of Health
Classification: Uncertain significance for Catecholaminergic polymorphic ventricular tachycardia. Last evaluated: 2023-10-02. Review status: criteria provided, single submitter. Criteria: ACMG Guidelines, 2015. Collection method: clinical testing. Allele origin: germline. Inheritance: Autosomal dominant inheritance. Observed: 1 variant allele, 1 heterozygote.
Comment: This missense variant replaces alanine with threonine at codon 763 of the RYR2 protein. Computational prediction suggests that this variant may not impact protein structure and function (internally defined REVEL score threshold <= 0.5, PMID: 27666373). To our knowledge, functional studies have not been reported for this variant. This variant has not been reported in individuals affected with RYR2-related disorders in the literature. This variant has been identified in 2/280666 chromosomes in the general population by the Genome Aggregation Database (gnomAD). The available evidence is insufficient to determine the role of this variant in disease conclusively. Therefore, this variant is classified as a Variant of Uncertain Significance.

This study involves interpretation of variants in research participants for the purpose of population health screening. Participant phenotype was not available at the time of variant classification. Additional details can be found in publication PMID: 35346344, PMCID: PMC8962531